The following is an entry in ClinVar:

NM_001039111.3(TRIM71):c.707A>G (p.His236Arg)

Gene: TRIM71 (tripartite motif containing 71; plus strand). Cytogenetic location: 3p22.3.
Variant type: single nucleotide variant.
Coding change: c.707A>G on transcript NM_001039111.3 (MANE Select); coding-DNA position 707, A replaced by G.
Protein change: p.His236Arg; replaces histidine 236 with arginine.
Molecular consequence: missense variant.
Genome position (GRCh38, 1-based): chr3:32,818,787, A>G. VCF-style: chr3-32818787-A-G. GRCh37 (hg19) VCF-style: chr3-32860279-A-G.
Other names: short protein forms H236R.
Identifiers: ClinVar variation 3030058 (VCV003030058.2), dbSNP rs2471021164, ClinGen allele CA351989561.

ClinVar aggregate classification (germline): Likely pathogenic (0 of 4 stars; one submission).

Conditions:
TRIM71-related disorder. Also called: TRIM71-related condition.

Submission:

PreventionGenetics, part of Exact Sciences
Classification: Likely pathogenic for TRIM71-related condition. Last evaluated: 2024-02-09. Review status: no assertion criteria provided. Collection method: clinical testing. Allele origin: germline.
Comment: The TRIM71 c.707A>G variant is predicted to result in the amino acid substitution p.His236Arg. To our knowledge, this variant has not been reported in the literature or in a large population database, indicating this variant is rare. Other de novo variants have been reported in patients with TRIM71-related disease (Furey et al. 2018. PubMed ID: 29983323). This variant is interpreted as likely pathogenic.